The following is an entry in ClinVar:

NM_001903.5(CTNNA1):c.2680G>A (p.Val894Met)

Gene: CTNNA1 (catenin alpha 1; plus strand). Cytogenetic location: 5q31.2.
Variant type: single nucleotide variant.
Coding change: c.2680G>A on transcript NM_001903.5 (MANE Select); coding-DNA position 2680, G replaced by A.
Protein change: p.Val894Met; replaces valine 894 with methionine.
Molecular consequence: missense variant. On other transcripts: 3 prime UTR variant (5).
Genome position (GRCh38, 1-based): chr5:138,934,048, G>A. VCF-style: chr5-138934048-G-A. GRCh37 (hg19) VCF-style: chr5-138269737-G-A.
Other names: c.*225G>A (NM_001290307.3, NM_001324002.1, NM_001324003.1 and 2 more transcripts); c.2371G>A, p.Val791Met (NM_001290309.3); c.2311G>A, p.Val771Met (NM_001290310.3); c.1570G>A, p.Val524Met (NM_001290312.1, NM_001323987.1, NM_001323988.1 and 12 more transcripts); c.2680G>A, p.Val894Met (NM_001323982.2, NM_001323983.1, NM_001323984.2); c.2653G>A, p.Val885Met (NM_001323985.2); c.2587G>A, p.Val863Met (NM_001323986.2); c.1435G>A, p.Val479Met (NM_001324001.1); and 4 more; short protein forms V411M, V885M, V524M, V443M, V479M, V493M, V791M, V894M.
Identifiers: ClinVar variation 1470490 (VCV001470490.10), dbSNP rs2150360336, ClinGen allele CA361135756.

ClinVar aggregate classification (germline): Uncertain significance. Review status: criteria provided, multiple submitters, no conflicts (2 of 4 stars). 3 submissions from 3 submitters: Uncertain significance (3). Last evaluated 2024-09-06.

Conditions:
Hereditary cancer-predisposing syndrome. Also called: Tumor predisposition; Hereditary Cancer Syndrome; Hereditary neoplastic syndrome; Neoplastic Syndromes, Hereditary. Identifiers: Orphanet 140162, MedGen C0027672, MeSH D009386, MONDO:0015356.

Submissions (3):

GeneDx
Classification: Uncertain significance. Last evaluated: 2024-09-06. Review status: criteria provided, single submitter. Criteria: GeneDx Variant Classification Process June 2021. Collection method: clinical testing. Allele origin: germline. Affected: yes.
Comment: Not observed at significant frequency in large population cohorts (gnomAD); In silico analysis indicates that this missense variant does not alter protein structure/function; Has not been previously published as pathogenic or benign to our knowledge

Ambry Genetics
Classification: Uncertain significance for Hereditary cancer-predisposing syndrome. Last evaluated: 2023-11-22. Review status: criteria provided, single submitter. Criteria: Ambry Variant Classification Scheme 2023. Collection method: clinical testing. Allele origin: germline.
Comment: The p.V894M variant (also known as c.2680G>A), located in coding exon 17 of the CTNNA1 gene, results from a G to A substitution at nucleotide position 2680. The valine at codon 894 is replaced by methionine, an amino acid with highly similar properties. This amino acid position is conserved. In addition, this alteration is predicted to be tolerated by in silico analysis. Since supporting evidence is limited at this time, the clinical significance of this alteration remains unclear.

Labcorp Genetics (formerly Invitae), Labcorp
Classification: Uncertain significance. Last evaluated: 2023-11-13. Review status: criteria provided, single submitter. Criteria: Invitae Variant Classification Sherloc (09022015). Collection method: clinical testing. Allele origin: germline.
Comment: This sequence change replaces valine, which is neutral and non-polar, with methionine, which is neutral and non-polar, at codon 894 of the CTNNA1 protein (p.Val894Met). This variant is not present in population databases (gnomAD no frequency). This variant has not been reported in the literature in individuals affected with CTNNA1-related conditions. ClinVar contains an entry for this variant (Variation ID: 1470490). Advanced modeling of protein sequence and biophysical properties (such as structural, functional, and spatial information, amino acid conservation, physicochemical variation, residue mobility, and thermodynamic stability) performed at Invitae indicates that this missense variant is not expected to disrupt CTNNA1 protein function with a negative predictive value of 80%. In summary, the available evidence is currently insufficient to determine the role of this variant in disease. Therefore, it has been classified as a Variant of Uncertain Significance.